The following is an entry in ClinVar:

ClinVar aggregate classification (germline): Uncertain significance. Review status: criteria provided, multiple submitters, no conflicts (2 of 4 stars). 3 submissions from 3 submitters: Uncertain significance (3). Last evaluated 2025-03-13.

Conditions:
CSF3R-related disorder. Also called: CSF3R-related condition.
Autosomal recessive severe congenital neutropenia due to CSF3R deficiency. Also called: Neutropenia, severe congenital, 7, autosomal recessive. Identifiers: Orphanet 420702, MedGen C4310764, MONDO:0014865, OMIM 617014.

Allele frequency attached by ClinVar (database versions not stated): gnomAD exomes below 0.00001; ExAC 0.00001.
gnomAD v4.1: 3 of 1,614,222 alleles (0.00019%); highest among the groups gnomAD compares: Non-Finnish European, 0.00025%; no homozygotes.

Submissions (3):

PreventionGenetics, part of Exact Sciences
Classification: Uncertain significance for CSF3R-related condition. Last evaluated: 2025-03-13. Review status: criteria provided, single submitter. Criteria: ACMG Guidelines, 2015. Collection method: clinical testing. Allele origin: germline.
Comment: The CSF3R c.1222C>T variant is predicted to result in the amino acid substitution p.Leu408Phe. To our knowledge, this variant has not been reported in the literature. This variant is reported in 0.00088% of alleles in individuals of European (Non-Finnish) descent in gnomAD. At this time, the clinical significance of this variant is uncertain due to the absence of conclusive functional and genetic evidence.

Labcorp Genetics (formerly Invitae), Labcorp
Classification: Uncertain significance for Autosomal recessive severe congenital neutropenia due to CSF3R deficiency. Last evaluated: 2024-12-09. Review status: criteria provided, single submitter. Criteria: Invitae Variant Classification Sherloc (09022015). Collection method: clinical testing. Allele origin: germline.
Comment: This sequence change replaces leucine, which is neutral and non-polar, with phenylalanine, which is neutral and non-polar, at codon 408 of the CSF3R protein (p.Leu408Phe). This variant is present in population databases (rs757826837, gnomAD 0.0009%). This missense change has been observed in individual(s) with CSF3R-related conditions (internal data). In at least one individual the data is consistent with being in trans (on the opposite chromosome) from a pathogenic variant. ClinVar contains an entry for this variant (Variation ID: 3013232). Invitae Evidence Modeling of protein sequence and biophysical properties (such as structural, functional, and spatial information, amino acid conservation, physicochemical variation, residue mobility, and thermodynamic stability) indicates that this missense variant is expected to disrupt CSF3R protein function with a positive predictive value of 80%. In summary, the available evidence is currently insufficient to determine the role of this variant in disease. Therefore, it has been classified as a Variant of Uncertain Significance.

Blueprint Genetics
Classification: Uncertain significance. Last evaluated: 2021-12-20. Review status: criteria provided, single submitter. Criteria: ACMG Guidelines, 2015. Collection method: clinical testing. Allele origin: germline.

NM_000760.4(CSF3R):c.1222C>T (p.Leu408Phe)

Gene: CSF3R (colony stimulating factor 3 receptor; minus strand). Cytogenetic location: 1p34.3.
Variant type: single nucleotide variant.
Coding change: c.1222C>T on transcript NM_000760.4 (MANE Select); coding-DNA position 1222, C replaced by T.
Protein change: p.Leu408Phe; replaces leucine 408 with phenylalanine.
Molecular consequence: missense variant.
Genome position (GRCh38, 1-based): chr1:36,471,496, G>A on the plus strand (C>T on the coding strand, the complement: CSF3R is on the minus strand). VCF-style: chr1-36471496-G-A. GRCh37 (hg19) VCF-style: chr1-36937097-G-A.
Other names: c.1222C>T (NM_000760.3); c.1222C>T, p.Leu408Phe (NM_156039.3, NM_172313.3); short protein forms L408F.
Identifiers: ClinVar variation 3013232 (VCV003013232.5), dbSNP rs757826837, ClinGen allele CA769257.